The following is an entry in ClinVar:

NM_198503.5(KCNT2):c.2682C>T (p.Asp894=)

Gene: KCNT2 (potassium sodium-activated channel subfamily T member 2; minus strand). Cytogenetic location: 1q31.3.
Variant type: single nucleotide variant.
Coding change: c.2682C>T on transcript NM_198503.5 (MANE Select); coding-DNA position 2682, C replaced by T.
Protein change: p.Asp894=; no amino-acid change (aspartic acid 894 retained).
Molecular consequence: synonymous variant. On other transcripts: non-coding transcript variant (2).
Genome position (GRCh38, 1-based): chr1:196,285,672, G>A on the plus strand (C>T on the coding strand, the complement: KCNT2 is on the minus strand). VCF-style: chr1-196285672-G-A. GRCh37 (hg19) VCF-style: chr1-196254802-G-A.
Other names: c.2610C>T, p.Asp870= (NM_001287819.3); c.2460C>T, p.Asp820= (NM_001287820.3).
Identifiers: ClinVar variation 3905233 (VCV003905233.11).

ClinVar aggregate classification (germline): Likely benign. Review status: criteria provided, multiple submitters, no conflicts (2 of 4 stars). 2 submissions from 2 submitters: Likely benign (2). Last evaluated 2025-05-01.

gnomAD v4.1: 63 of 1,606,978 alleles (0.0039%); highest among the groups gnomAD compares: Middle Eastern, 0.083%; no homozygotes.

Submissions (2):

CeGaT Center for Human Genetics Tuebingen
Classification: Likely benign. Last evaluated: 2025-05-01. Review status: criteria provided, single submitter. Criteria: CeGaT Center For Human Genetics Tuebingen Variant Classification Criteria Version 2. Collection method: clinical testing. Allele origin: germline. Affected: yes. Observed: 1 variant allele.
Comment: KCNT2: BP4, BP7

Blueprint Genetics
Classification: Likely benign. Last evaluated: 2024-09-23. Review status: criteria provided, single submitter. Criteria: ACMG Guidelines, 2015. Collection method: clinical testing. Allele origin: germline.